The following is an entry in ClinVar:

ClinVar aggregate classification (germline): Uncertain significance (1 of 4 stars; one submission).

Conditions:
Early-infantile DEE. Also called: Early infantile epileptic encephalopathy with suppression bursts; Early infantile epileptic encephalopathy; Ohtahara syndrome. Identifiers: Orphanet 1934, MedGen C0393706, MONDO:0800491.

Submission:

Labcorp Genetics (formerly Invitae), Labcorp
Classification: Uncertain significance for Early-infantile DEE. Last evaluated: 2022-04-25. Review status: criteria provided, single submitter. Criteria: Invitae Variant Classification Sherloc (09022015). Collection method: clinical testing. Allele origin: germline.
Comment: This sequence change replaces histidine, which is basic and polar, with tyrosine, which is neutral and polar, at codon 1393 of the SCN1A protein (p.His1393Tyr). In summary, the available evidence is currently insufficient to determine the role of this variant in disease. Therefore, it has been classified as a Variant of Uncertain Significance. This variant disrupts the p.His1393 amino acid residue in SCN1A. Other variant(s) that disrupt this residue have been determined to be pathogenic (PMID: 17129991, 28084635; Invitae). This suggests that this residue is clinically significant, and that variants that disrupt this residue are likely to be disease-causing. Advanced modeling of protein sequence and biophysical properties (such as structural, functional, and spatial information, amino acid conservation, physicochemical variation, residue mobility, and thermodynamic stability) performed at Invitae indicates that this missense variant is not expected to disrupt SCN1A protein function. This variant has not been reported in the literature in individuals affected with SCN1A-related conditions. This variant is not present in population databases (gnomAD no frequency).

Literature cited by the submitters: PubMed 17129991; PubMed 28084635.

NM_001165963.4(SCN1A):c.4177C>T (p.His1393Tyr)

Genes: SCN1A (sodium voltage-gated channel alpha subunit 1; minus strand), LOC102724058 (uncharacterized LOC102724058; plus strand). Cytogenetic location: 2q24.3.
Variant type: single nucleotide variant.
Coding change: c.4177C>T on transcript NM_001165963.4 (MANE Select); coding-DNA position 4177, C replaced by T.
Protein change: p.His1393Tyr; replaces histidine 1393 with tyrosine.
Molecular consequence: missense variant. On other transcripts: non-coding transcript variant (1).
Genome position (GRCh38, 1-based): chr2:166,002,579, G>A on the plus strand (C>T on the coding strand, the complement: SCN1A is on the minus strand). VCF-style: chr2-166002579-G-A. GRCh37 (hg19) VCF-style: chr2-166859089-G-A.
Other names: c.4093C>T, p.His1365Tyr (NM_001165964.3, NM_001353957.2, NM_001353958.2); c.4177C>T, p.His1393Tyr (NM_001202435.3, NM_001353948.2); c.4144C>T, p.His1382Tyr (NM_001353949.2, NM_001353950.2, NM_001353951.2 and 2 more transcripts); c.4141C>T, p.His1381Tyr (NM_001353954.2, NM_001353955.2); c.4090C>T, p.His1364Tyr (NM_001353960.2); c.1735C>T, p.His579Tyr (NM_001353961.2); short protein forms H1364Y, H1365Y, H1381Y, H1382Y, H1393Y, H579Y.
Identifiers: ClinVar variation 2428215 (VCV002428215.6), dbSNP rs2468435230, ClinGen allele CA349050168.